The following is an entry in ClinVar:

NM_001367624.2(ZNF469):c.5250T>C (p.Pro1750=)

Gene: ZNF469 (zinc finger protein 469; plus strand). Cytogenetic location: 16q24.2.
Variant type: single nucleotide variant.
Coding change: c.5250T>C on transcript NM_001367624.2 (MANE Select); coding-DNA position 5250, T replaced by C.
Protein change: p.Pro1750=; no amino-acid change (proline 1750 retained).
Molecular consequence: synonymous variant.
Genome position (GRCh38, 1-based): chr16:88,432,720, T>C. VCF-style: chr16-88432720-T-C. GRCh37 (hg19) VCF-style: chr16-88499128-T-C.
Other names: NM_001127464.1:c.5166T>C.
Identifiers: ClinVar variation 2449452 (VCV002449452.29), dbSNP rs753101134, ClinGen allele CA8225056.

ClinVar aggregate classification (germline): Likely benign. Review status: criteria provided, multiple submitters, no conflicts (2 of 4 stars). 3 submissions from 3 submitters: Likely benign (3). Last evaluated 2025-11-30.

Conditions:
Cardiovascular phenotype. Identifiers: MedGen CN230736.

Allele frequency attached by ClinVar (database versions not stated): gnomAD 0.00001; gnomAD exomes 0.00001; TOPMed 0.00001; ExAC 0.00005.
gnomAD v4.1: 20 of 1,550,274 alleles (0.0013%); highest among the groups gnomAD compares: South Asian, 0.0024%; no homozygotes.

Submissions (3):

Labcorp Genetics (formerly Invitae), Labcorp
Classification: Likely benign. Last evaluated: 2025-11-30. Review status: criteria provided, single submitter. Criteria: Invitae Variant Classification Sherloc (09022015). Collection method: clinical testing. Allele origin: germline.

Ambry Genetics
Classification: Likely benign for Cardiovascular phenotype. Last evaluated: 2022-12-04. Review status: criteria provided, single submitter. Criteria: Ambry Variant Classification Scheme 2023. Collection method: clinical testing. Allele origin: germline.

CeGaT Center for Human Genetics Tuebingen
Classification: Likely benign. Last evaluated: 2022-05-01. Review status: criteria provided, single submitter. Criteria: CeGaT Center For Human Genetics Tuebingen Variant Classification Criteria Version 2. Collection method: clinical testing. Allele origin: germline. Affected: yes. Observed: 1 variant allele.
Comment: ZNF469: BP4, BP7